The following is an entry in ClinVar:

ClinVar aggregate classification (germline): Uncertain significance. Review status: criteria provided, multiple submitters, no conflicts (2 of 4 stars). 2 submissions from 2 submitters: Uncertain significance (2). Last evaluated 2024-12-25.

Conditions:
Hypertrophic cardiomyopathy 14. Identifiers: MedGen C2750467, MONDO:0013197, OMIM 613251.
Cardiovascular phenotype. Identifiers: MedGen CN230736.

gnomAD v4.1: 8 of 1,614,204 alleles (0.0005%); highest among the groups gnomAD compares: Middle Eastern, 0.016%; no homozygotes.

Submissions (2):

Labcorp Genetics (formerly Invitae), Labcorp
Classification: Uncertain significance for Hypertrophic cardiomyopathy 14. Last evaluated: 2024-12-25. Review status: criteria provided, single submitter. Criteria: Invitae Variant Classification Sherloc (09022015). Collection method: clinical testing. Allele origin: germline.
Comment: This sequence change replaces arginine, which is basic and polar, with serine, which is neutral and polar, at codon 1047 of the MYH6 protein (p.Arg1047Ser). This variant is present in population databases (no rsID available, gnomAD 0.01%). This missense change has been observed in individual(s) with dilated cardiomyopathy (PMID: 32880476). ClinVar contains an entry for this variant (Variation ID: 1728046). Invitae Evidence Modeling of protein sequence and biophysical properties (such as structural, functional, and spatial information, amino acid conservation, physicochemical variation, residue mobility, and thermodynamic stability) indicates that this missense variant is expected to disrupt MYH6 protein function with a positive predictive value of 80%. In summary, the available evidence is currently insufficient to determine the role of this variant in disease. Therefore, it has been classified as a Variant of Uncertain Significance.

Ambry Genetics
Classification: Uncertain significance for Cardiovascular phenotype. Last evaluated: 2021-05-19. Review status: criteria provided, single submitter. Criteria: Ambry Variant Classification Scheme 2023. Collection method: clinical testing. Allele origin: germline.
Comment: The p.R1047S variant (also known as c.3139C>A), located in coding exon 22 of the MYH6 gene, results from a C to A substitution at nucleotide position 3139. The arginine at codon 1047 is replaced by serine, an amino acid with dissimilar properties. This amino acid position is highly conserved in available vertebrate species. In addition, this alteration is predicted to be deleterious by in silico analysis. Since supporting evidence is limited at this time, the clinical significance of this alteration remains unclear.

Literature cited by the submitters: PubMed 32880476 (cited by Labcorp Genetics (formerly Invitae), Labcorp).

NM_002471.4(MYH6):c.3139C>A (p.Arg1047Ser)

Gene: MYH6 (myosin heavy chain 6; minus strand). Cytogenetic location: 14q11.2.
Variant type: single nucleotide variant.
Coding change: c.3139C>A on transcript NM_002471.4 (MANE Select); coding-DNA position 3139, C replaced by A.
Protein change: p.Arg1047Ser; replaces arginine 1047 with serine.
Molecular consequence: missense variant.
Genome position (GRCh38, 1-based): chr14:23,393,024, G>T on the plus strand (C>A on the coding strand, the complement: MYH6 is on the minus strand). VCF-style: chr14-23393024-G-T. GRCh37 (hg19) VCF-style: chr14-23862233-G-T.
Other names: short protein forms R1047S.
Identifiers: ClinVar variation 1728046 (VCV001728046.4), dbSNP rs755565288, ClinGen allele CA389009656.
Genomic context (GRCh38, chr14:23,393,024, plus strand): 5'-TCTCCTGGGTCAGCTTCAGGTCGCCCTCCAGTTTCCGCTTTGCTCGCTCCAGGTCCATGC[G>T]CACCTTCTTCTCTTGCTCTAGGGATCCCTCCAGCTGTTGGAGGGAAGAAAATAAGCAAAG-3'
Protein context (NP_002462.2, residues 1037-1057): EGSLEQEKKV[Arg1047Ser]MDLERAKRKL